The following is an entry in ClinVar:

ClinVar aggregate classification (germline): Uncertain significance (1 of 4 stars; one submission).

Allele frequency attached by ClinVar (database versions not stated): gnomAD exomes below 0.00001.

Submission:

Labcorp Genetics (formerly Invitae), Labcorp
Classification: Uncertain significance. Last evaluated: 2020-12-11. Review status: criteria provided, single submitter. Criteria: Invitae Variant Classification Sherloc (09022015). Collection method: clinical testing. Allele origin: germline.
Comment: In summary, the available evidence is currently insufficient to determine the role of this variant in disease. Therefore, it has been classified as a Variant of Uncertain Significance. Algorithms developed to predict the effect of missense changes on protein structure and function output the following: SIFT: "Tolerated"; PolyPhen-2: "Benign"; Align-GVGD: "Class C0". The aspartic acid amino acid residue is found in multiple mammalian species, suggesting that this missense change does not adversely affect protein function. These predictions have not been confirmed by published functional studies and their clinical significance is uncertain. This variant has not been reported in the literature in individuals with FREM2-related conditions. This variant is not present in population databases (ExAC no frequency). This sequence change replaces asparagine with aspartic acid at codon 2488 of the FREM2 protein (p.Asn2488Asp). The asparagine residue is moderately conserved and there is a small physicochemical difference between asparagine and aspartic acid.

NM_207361.6(FREM2):c.7462A>G (p.Asn2488Asp)

Gene: FREM2 (FRAS1 related extracellular matrix 2; plus strand). Cytogenetic location: 13q13.3.
Variant type: single nucleotide variant.
Coding change: c.7462A>G on transcript NM_207361.6 (MANE Select); coding-DNA position 7462, A replaced by G.
Protein change: p.Asn2488Asp; replaces asparagine 2488 with aspartic acid.
Molecular consequence: missense variant.
Genome position (GRCh38, 1-based): chr13:38,859,533, A>G. VCF-style: chr13-38859533-A-G. GRCh37 (hg19) VCF-style: chr13-39433670-A-G.
Other names: short protein forms N2488D.
Identifiers: ClinVar variation 1472622 (VCV001472622.8), dbSNP rs1877687604, ClinGen allele CA387898689.
Genomic context (GRCh38, chr13:38,859,533, plus strand): 5'-GACTCCATATACTTTCAGCCTGGCTCCCGGGTACAGTGCGCAGCTCGTGCTGTGAACACC[A>G]ATGGGGATGAAGGCCTGGAGCTCATGAGCCCTATTGTAACCATCAGCAGAGAAGAAGGTC-3'
Protein context (NP_997244.4, residues 2478-2498): VQCAARAVNT[Asn2488Asp]GDEGLELMSP